The following is an entry in ClinVar:

ClinVar aggregate classification (germline): Uncertain significance (1 of 4 stars; one submission).

Conditions:
Epidermolysis bullosa simplex with nail dystrophy (EBS5D). Identifiers: MedGen C4225309, MONDO:0014661, OMIM 616487.
Epidermolysis bullosa simplex 5C, with pyloric atresia (EBS5C). Also called: Epidermolysis bullosa simplex with pyloric atresia; PLEC-Related Epidermolysis Bullosa with Pyloric Atresia; PLEC1-Related Epidermolysis Bullosa with Pyloric Atresia. Identifiers: Orphanet 158684, MedGen C2677349, MONDO:0012807, OMIM 612138.
Autosomal recessive limb-girdle muscular dystrophy type 2Q (LGMDR17). Also called: MUSCULAR DYSTROPHY, LIMB-GIRDLE, AUTOSOMAL RECESSIVE 17. Identifiers: Orphanet 254361, MedGen C3150989, MONDO:0013390, OMIM 613723.
Epidermolysis bullosa simplex 5B, with muscular dystrophy (EBS5B). Also called: Epidermolysis bullosa simplex with muscular dystrophy; EPIDERMOLYSIS BULLOSA SIMPLEX AND LIMB-GIRDLE MUSCULAR DYSTROPHY. Identifiers: Orphanet 257, MedGen C2931072, MONDO:0009181, OMIM 226670.
Epidermolysis bullosa simplex, Ogna type (EBS5A). Also called: Pidermolysis bullosa simplex 5A, Ogna type; EPIDERMOLYSIS BULLOSA SIMPLEX 5A, OGNA TYPE. Identifiers: Orphanet 79401, MedGen C0432317, MONDO:0007555, OMIM 131950.

Submission:

Labcorp Genetics (formerly Invitae), Labcorp
Classification: Uncertain significance for Autosomal recessive limb-girdle muscular dystrophy type 2Q; Epidermolysis bullosa simplex, Ogna type; Epidermolysis bullosa simplex with nail dystrophy; Epidermolysis bullosa simplex 5C, with pyloric atresia; Epidermolysis bullosa simplex 5B, with muscular dystrophy. Last evaluated: 2022-05-07. Review status: criteria provided, single submitter. Criteria: Invitae Variant Classification Sherloc (09022015). Collection method: clinical testing. Allele origin: germline.
Comment: In summary, the available evidence is currently insufficient to determine the role of this variant in disease. Therefore, it has been classified as a Variant of Uncertain Significance. Algorithms developed to predict the effect of missense changes on protein structure and function are either unavailable or do not agree on the potential impact of this missense change (SIFT: "Deleterious"; PolyPhen-2: "Probably Damaging"; Align-GVGD: "Class C15"). This variant has not been reported in the literature in individuals affected with PLEC-related conditions. This variant is not present in population databases (gnomAD no frequency). This sequence change replaces serine, which is neutral and polar, with arginine, which is basic and polar, at codon 2420 of the PLEC protein (p.Ser2420Arg).

NM_201384.3(PLEC):c.7179C>G (p.Ser2393Arg)

Gene: PLEC (plectin; minus strand). Cytogenetic location: 8q24.3.
Variant type: single nucleotide variant.
Coding change: c.7179C>G on transcript NM_201384.3 (MANE Select); coding-DNA position 7179, C replaced by G.
Protein change: p.Ser2393Arg; replaces serine 2393 with arginine.
Molecular consequence: missense variant.
Genome position (GRCh38, 1-based): chr8:143,922,750, G>C on the plus strand (C>G on the coding strand, the complement: PLEC is on the minus strand). VCF-style: chr8-143922750-G-C. GRCh37 (hg19) VCF-style: chr8-144996918-G-C.
Other names: c.7260C>G, p.Ser2420Arg (NM_000445.5); c.7137C>G, p.Ser2379Arg (NM_201378.4); c.7113C>G, p.Ser2371Arg (NM_201379.3); c.7590C>G, p.Ser2530Arg (NM_201380.4); c.7083C>G, p.Ser2361Arg (NM_201381.3); c.7179C>G, p.Ser2393Arg (NM_201382.4); c.7191C>G, p.Ser2397Arg (NM_201383.3); short protein forms S2371R, S2379R, S2393R, S2397R, S2530R, S2361R, S2420R.
Identifiers: ClinVar variation 2135140 (VCV002135140.4), dbSNP rs1554690386, ClinGen allele CA372529212.
Genomic context (GRCh38, chr8:143,922,750, plus strand): 5'-GATCTCCTCCGCCTGCTTCCGGAAGCGCTGGGCGTCCTCCTCAGCGCGGGCCTGGGCTCG[G>C]CTCATCTCGGCCACACGCAGCTTGAGGCGCTCAGCCTCAGCGCTCATCTCCAGCTGCCGC-3'
Protein context (NP_958786.1, residues 2383-2403): ERLKLRVAEM[Ser2393Arg]RAQARAEEDA